The following is an entry in ClinVar:

ClinVar aggregate classification (germline): Pathogenic (1 of 4 stars; one submission).

Conditions:
Bloom syndrome (BLM). Also called: Bloom-Torre-Machacek syndrome. Identifiers: Orphanet 125, MedGen C0005859, MONDO:0008876, OMIM 210900.

Submission:

Natera, Inc.
Classification: Pathogenic for Bloom syndrome. Last evaluated: 2025-06-24. Review status: criteria provided, single submitter. Criteria: Natera Variant Classification Schema (03/2026). Collection method: clinical testing. Allele origin: germline.
Comment: The c.2254C>T variant in BLM is a nonsense variant predicted to introduce a stop codon at amino acid 752. This variant is expected to result in nonsense mediated decay, truncation, or a dysfunctional protein product. This variant is rare in the general population with a frequency below the threshold expected for the associated phenotype(s). This variant has been observed in one or more individuals affected with the associated recessive disease, as either homozygous or compound heterozygous with a second variant (PMID: 17407155). Given the available evidence, this variant is classified as Pathogenic.

Literature cited by the submitters: PubMed 17407155.

NM_000057.4(BLM):c.2254C>T (p.Gln752Ter)

Gene: BLM (BLM RecQ like helicase; plus strand). Cytogenetic location: 15q26.1.
Variant type: single nucleotide variant.
Coding change: c.2254C>T on transcript NM_000057.4 (MANE Select); coding-DNA position 2254, C replaced by T.
Protein change: p.Gln752Ter; replaces glutamine 752 with a stop codon.
Molecular consequence: nonsense.
Genome position (GRCh38, 1-based): chr15:90,766,970, C>T. VCF-style: chr15-90766970-C-T. GRCh37 (hg19) VCF-style: chr15-91310200-C-T.
Other names: c.2254C>T, p.Gln752Ter (NM_001287246.2, NM_001287247.2); c.1129C>T, p.Gln377Ter (NM_001287248.2); short protein forms Q377*, Q752*.
Identifiers: ClinVar variation 4815752 (VCV004815752.1).